The following is an entry in ClinVar:

NM_021625.5(TRPV4):c.1277C>T (p.Thr426Met)

Gene: TRPV4 (transient receptor potential cation channel subfamily V member 4; minus strand). Cytogenetic location: 12q24.11.
Variant type: single nucleotide variant.
Coding change: c.1277C>T on transcript NM_021625.5 (MANE Select); coding-DNA position 1277, C replaced by T.
Protein change: p.Thr426Met; replaces threonine 426 with methionine.
Molecular consequence: missense variant. On other transcripts: intron variant (2).
Genome position (GRCh38, 1-based): chr12:109,796,580, G>A on the plus strand (C>T on the coding strand, the complement: TRPV4 is on the minus strand). VCF-style: chr12-109796580-G-A. GRCh37 (hg19) VCF-style: chr12-110234385-G-A.
Other names: c.1136C>T, p.Thr379Met (NM_001177428.2); c.1175C>T, p.Thr392Met (NM_001177431.2); c.1011+2034C>T (NM_001177433.1); c.1152+2034C>T (NM_147204.2); short protein forms T379M, T426M, T392M.
Identifiers: ClinVar variation 655794 (VCV000655794.11), dbSNP rs757522459, ClinGen allele CA6780299.

ClinVar aggregate classification (germline): Uncertain significance. Review status: criteria provided, multiple submitters, no conflicts (2 of 4 stars). 3 submissions from 3 submitters: Uncertain significance (3). Last evaluated 2026-08-20.

Conditions:
TRPV4-related disorder. Also called: TRPV4-related disorders; TRPV4-related condition.
Charcot-Marie-Tooth disease axonal type 2C (HMSN2C). Also called: Charcot-Marie-Tooth Disease Type 2, TRPV4-Related (CMT2C); CHARCOT-MARIE-TOOTH DISEASE, AXONAL, AUTOSOMAL DOMINANT, TYPE 2C; Charcot-Marie-Tooth Neuropathy Type 2C. Identifiers: Orphanet 99937, MedGen C1853710, MONDO:0011633, OMIM 606071.

Allele frequency attached by ClinVar (database versions not stated): gnomAD exomes 0.00001 and below 0.00001; gnomAD 0.00001; TOPMed below 0.00001; ExAC 0.00001.
gnomAD v4.1: 20 of 1,614,008 alleles (0.0012%); highest among the groups gnomAD compares: South Asian, 0.0099%; no homozygotes.

Submissions (3):

PreventionGenetics, part of Exact Sciences
Classification: Uncertain significance for TRPV4-related condition. Last evaluated: 2026-08-20. Review status: criteria provided, single submitter. Criteria: ACMG Guidelines, 2015. Collection method: clinical testing. Allele origin: germline.
Comment: The TRPV4 c.1277C>T variant is predicted to result in the amino acid substitution p.Thr426Met. To our knowledge, this variant has not been reported in the literature. This variant is reported in 0.0033% of alleles in individuals of South Asian descent in gnomAD. At this time, the clinical significance of this variant is uncertain due to the absence of conclusive functional and genetic evidence.

Labcorp Genetics (formerly Invitae), Labcorp
Classification: Uncertain significance for Charcot-Marie-Tooth disease axonal type 2C. Last evaluated: 2024-10-01. Review status: criteria provided, single submitter. Criteria: Invitae Variant Classification Sherloc (09022015). Collection method: clinical testing. Allele origin: germline.
Comment: This sequence change replaces threonine, which is neutral and polar, with methionine, which is neutral and non-polar, at codon 426 of the TRPV4 protein (p.Thr426Met). This variant is present in population databases (rs757522459, gnomAD 0.003%). This variant has not been reported in the literature in individuals affected with TRPV4-related conditions. ClinVar contains an entry for this variant (Variation ID: 655794). Invitae Evidence Modeling of protein sequence and biophysical properties (such as structural, functional, and spatial information, amino acid conservation, physicochemical variation, residue mobility, and thermodynamic stability) has been performed for this missense variant. However, the output from this modeling did not meet the statistical confidence thresholds required to predict the impact of this variant on TRPV4 protein function. In summary, the available evidence is currently insufficient to determine the role of this variant in disease. Therefore, it has been classified as a Variant of Uncertain Significance.

Victorian Clinical Genetics Services, Murdoch Childrens Research Institute
Classification: Uncertain significance for Charcot-Marie-Tooth disease axonal type 2C. Last evaluated: 2020-10-19. Review status: criteria provided, single submitter. Criteria: ACMG Guidelines, 2015. Collection method: clinical testing. Allele origin: germline. Inheritance: Autosomal dominant inheritance. Affected: yes.
Comment: Based on the classification scheme VCGS_Germline_v1.3.3, this variant is classified as VUS - 3A. Following criteria are met: 0103 - Loss of function and gain of function are mechanisms of disease in this gene and are associated with TRPV4-related disease. Gain of channel function have been reported to cause skeletal dysplasia and neuropathies, whereas loss of function variants are thought to cause familial digital arthropathy-brachydactyly (FDAB) (PMID: 23306656; 21964574) (I) 0107 - This gene is associated with autosomal dominant disease. (I) 0112 - The neuromuscular disorders associated with this gene have incomplete penetrance (OMIM, Gene Reviews) (I) 0200 - Variant is predicted to result in a missense amino acid change from threonine to methionine. (I) 0251 - This variant is heterozygous. (I) 0302 - Variant is present in gnomAD (v2 & 3) <0.001 for a dominant condition (3 heterozygotes, 0 homozygotes). (SP) 0501 - Missense variant consistently predicted to be damaging by multiple in silico tools or highly conserved with a major amino acid change. (SP) 0604 - Variant is not located in an established domain, motif, hotspot or informative constraint region. (I) 0705 - No comparable missense variants have previous evidence for pathogenicity. (I) 0809 - Previous evidence of pathogenicity for this variant is inconclusive. This variant has been reported as a variant of uncertain significance in association with Charcot-Marie-Tooth disease Type 2C (ClinVar) (I) 0905 - No published segregation evidence has been identified for this variant. (I) 1007 - No published functional evidence has been identified for this variant. (I) 1208 - Inheritance information for this variant is not currently available in this individual. (I) Legend: (SP) - Supporting pathogenic, (I) - Information, (SB) - Supporting benign

Literature cited by the submitters: PubMed 21964574 (cited by Victorian Clinical Genetics Services, Murdoch Childrens Research Institute); PubMed 23306656 (cited by Victorian Clinical Genetics Services, Murdoch Childrens Research Institute).